The following is an entry in ClinVar:

NM_004385.5(VCAN):c.9481C>G (p.Leu3161Val)

Genes: VCAN (versican; plus strand), VCAN-AS1 (VCAN antisense RNA 1; minus strand). Cytogenetic location: 5q14.3.
Variant type: single nucleotide variant.
Coding change: c.9481C>G on transcript NM_004385.5 (MANE Select); coding-DNA position 9481, C replaced by G.
Protein change: p.Leu3161Val; replaces leucine 3161 with valine.
Molecular consequence: missense variant.
Genome position (GRCh38, 1-based): chr5:83,548,072, C>G. VCF-style: chr5-83548072-C-G. GRCh37 (hg19) VCF-style: chr5-82843891-C-G.
Other names: c.1258C>G, p.Leu420Val (NM_001126336.3); c.6520C>G, p.Leu2174Val (NM_001164097.2); c.4219C>G, p.Leu1407Val (NM_001164098.2); short protein forms L3161V, L1407V, L2174V, L420V.
Identifiers: ClinVar variation 354466 (VCV000354466.17), dbSNP rs765359111, ClinGen allele CA3334009.

ClinVar aggregate classification (germline): Conflicting classifications of pathogenicity. Review status: criteria provided, conflicting classifications (1 of 4 stars). 4 submissions from 4 submitters: Uncertain significance (2); Likely benign (2). Last evaluated 2025-08-09.

Conditions:
Vitreoretinopathy. Also called: Vitreoretinal degeneration. Identifiers: MedGen C0344290, MONDO:0020248, HP:0007773.
Inborn genetic diseases. Identifiers: MedGen C0950123, MeSH D030342.

Allele frequency attached by ClinVar (database versions not stated): ExAC 0.00002; gnomAD 0.00004 and 0.00005; gnomAD exomes 0.00004 and 0.00005; TOPMed 0.00007.

Submissions (4):

Ambry Genetics
Classification: Uncertain significance for Inborn genetic diseases. Last evaluated: 2025-08-09. Review status: criteria provided, single submitter. Criteria: Ambry Variant Classification Scheme 2023. Collection method: clinical testing. Allele origin: germline.

Labcorp Genetics (formerly Invitae), Labcorp
Classification: Uncertain significance. Last evaluated: 2024-12-12. Review status: criteria provided, single submitter. Criteria: Invitae Variant Classification Sherloc (09022015). Collection method: clinical testing. Allele origin: germline.
Comment: This sequence change replaces leucine, which is neutral and non-polar, with valine, which is neutral and non-polar, at codon 3161 of the VCAN protein (p.Leu3161Val). This variant is present in population databases (rs765359111, gnomAD 0.01%). This variant has not been reported in the literature in individuals affected with VCAN-related conditions. ClinVar contains an entry for this variant (Variation ID: 354466). An algorithm developed to predict the effect of missense changes on protein structure and function (PolyPhen-2) suggests that this variant is likely to be disruptive. In summary, the available evidence is currently insufficient to determine the role of this variant in disease. Therefore, it has been classified as a Variant of Uncertain Significance.

Blueprint Genetics
Classification: Likely benign. Last evaluated: 2023-05-29. Review status: criteria provided, single submitter. Criteria: ACMG Guidelines, 2015. Collection method: clinical testing. Allele origin: germline.

Illumina Laboratory Services, Illumina
Classification: Likely benign for Vitreoretinopathy. Last evaluated: 2018-01-12. Review status: criteria provided, single submitter. Criteria: ICSL Variant Classification Criteria 13 December 2019. Collection method: clinical testing. Allele origin: germline.
Comment: This variant was observed in the ICSL laboratory as part of a predisposition screen in an ostensibly healthy population. It had not been previously curated by ICSL or reported in the Human Gene Mutation Database (HGMD: prior to June 1st, 2018), and was therefore a candidate for classification through an automated scoring system. Utilizing variant allele frequency, disease prevalence and penetrance estimates, and inheritance mode, an automated score was calculated to assess if this variant is too frequent to cause the disease. Based on the score and internal cut-off values, a variant classified as likely benign is not then subjected to further curation. The score for this variant resulted in a classification of likely benign for this disease.